The following is an entry in ClinVar:

ClinVar aggregate classification (germline): Uncertain significance. Review status: criteria provided, multiple submitters, no conflicts (2 of 4 stars). 2 submissions from 2 submitters: Uncertain significance (2). Last evaluated 2025-11-24.

Conditions:
Inborn genetic diseases. Identifiers: MedGen C0950123, MeSH D030342.

Allele frequency attached by ClinVar (database versions not stated): TOPMed 0.00001.

Submissions (2):

Ambry Genetics
Classification: Uncertain significance for Inborn genetic diseases. Last evaluated: 2025-11-24. Review status: criteria provided, single submitter. Criteria: Ambry Variant Classification Scheme 2023. Collection method: clinical testing. Allele origin: germline.
Comment: The p.F188I variant (also known as c.562T>A), located in coding exon 6 of the DDX41 gene, results from a T to A substitution at nucleotide position 562. The phenylalanine at codon 188 is replaced by isoleucine, an amino acid with highly similar properties. This amino acid position is conserved. In addition, this alteration is predicted to be tolerated by in silico analysis. Based on the available evidence, the clinical significance of this variant remains unclear.

Labcorp Genetics (formerly Invitae), Labcorp
Classification: Uncertain significance. Last evaluated: 2023-03-27. Review status: criteria provided, single submitter. Criteria: Invitae Variant Classification Sherloc (09022015). Collection method: clinical testing. Allele origin: germline.
Comment: This variant is present in population databases (no rsID available, gnomAD 0.007%). In summary, the available evidence is currently insufficient to determine the role of this variant in disease. Therefore, it has been classified as a Variant of Uncertain Significance. An algorithm developed to predict the effect of missense changes on protein structure and function (PolyPhen-2) suggests that this variant is likely to be tolerated. This variant has not been reported in the literature in individuals affected with DDX41-related conditions. This sequence change replaces phenylalanine, which is neutral and non-polar, with isoleucine, which is neutral and non-polar, at codon 188 of the DDX41 protein (p.Phe188Ile).

NM_016222.4(DDX41):c.562T>A (p.Phe188Ile)

Gene: DDX41 (DEAD-box helicase 41; minus strand). Cytogenetic location: 5q35.3.
Variant type: single nucleotide variant.
Coding change: c.562T>A on transcript NM_016222.4 (MANE Select); coding-DNA position 562, T replaced by A.
Protein change: p.Phe188Ile; replaces phenylalanine 188 with isoleucine.
Molecular consequence: missense variant.
Genome position (GRCh38, 1-based): chr5:177,515,694, A>T on the plus strand (T>A on the coding strand, the complement: DDX41 is on the minus strand). VCF-style: chr5-177515694-A-T. GRCh37 (hg19) VCF-style: chr5-176942695-A-T.
Other names: c.184T>A, p.Phe62Ile (NM_001321732.2, NM_001321830.2); c.562T>A (NM_016222.2); short protein forms F188I, F62I.
Identifiers: ClinVar variation 2848885 (VCV002848885.4), dbSNP rs1490572026, ClinGen allele CA362375974.